The following is an entry in ClinVar:

ClinVar aggregate classification (germline): Pathogenic/Likely pathogenic. Review status: criteria provided, multiple submitters, no conflicts (2 of 4 stars). 2 submissions from 2 submitters: Pathogenic (1); Likely pathogenic (1). Last evaluated 2024-05-29.

Conditions:
Familial infantile myasthenia (CMS6). Also called: MYASTHENIC SYNDROME, CONGENITAL, 6, PRESYNAPTIC; Congenital myasthenic syndrome type 6; MYASTHENIC SYNDROME, PRESYNAPTIC, CONGENITAL, ASSOCIATED WITH EPISODIC APNEA. Identifiers: Orphanet 590, MedGen C0393929, MONDO:0009689, OMIM 254210.

Submissions (2):

Fulgent Genetics
Classification: Likely pathogenic for Familial infantile myasthenia. Last evaluated: 2024-05-29. Review status: criteria provided, single submitter. Criteria: ACMG Guidelines, 2015. Collection method: clinical testing. Allele origin: germline.

Labcorp Genetics (formerly Invitae), Labcorp
Classification: Pathogenic for Familial infantile myasthenia. Last evaluated: 2023-11-07. Review status: criteria provided, single submitter. Criteria: Invitae Variant Classification Sherloc (09022015). Collection method: clinical testing. Allele origin: germline.
Comment: This sequence change creates a premature translational stop signal (p.Glu343*) in the CHAT gene. It is expected to result in an absent or disrupted protein product. Loss-of-function variants in CHAT are known to be pathogenic (PMID: 12548525, 21786365, 23292760). This variant is not present in population databases (gnomAD no frequency). This variant has not been reported in the literature in individuals affected with CHAT-related conditions. Algorithms developed to predict the effect of sequence changes on RNA splicing suggest that this variant may disrupt the consensus splice site. For these reasons, this variant has been classified as Pathogenic.

Literature cited by the submitters: PubMed 12548525 (cited by Labcorp Genetics (formerly Invitae), Labcorp); PubMed 21786365 (cited by Labcorp Genetics (formerly Invitae), Labcorp); PubMed 23292760 (cited by Labcorp Genetics (formerly Invitae), Labcorp).

NM_020549.5(CHAT):c.1027G>T (p.Glu343Ter)

Gene: CHAT (choline O-acetyltransferase; plus strand). Cytogenetic location: 10q11.23.
Variant type: single nucleotide variant.
Coding change: c.1027G>T on transcript NM_020549.5 (MANE Select); coding-DNA position 1027, G replaced by T.
Protein change: p.Glu343Ter; replaces glutamic acid 343 with a stop codon.
Molecular consequence: nonsense.
Genome position (GRCh38, 1-based): chr10:49,627,701, G>T. VCF-style: chr10-49627701-G-T. GRCh37 (hg19) VCF-style: chr10-50835747-G-T.
Other names: c.673G>T, p.Glu225Ter (NM_001142929.2, NM_001142934.2, NM_020984.4 and 2 more transcripts); c.781G>T, p.Glu261Ter (NM_001142933.2); short protein forms E225*, E343*, E261*.
Identifiers: ClinVar variation 2694017 (VCV002694017.4), dbSNP rs778837182, ClinGen allele CA376731268.